The following is an entry in ClinVar:

ClinVar aggregate classification (germline): Uncertain significance (1 of 4 stars; one submission).

gnomAD v4.1: 2 of 1,614,024 alleles (0.00012%); highest among the groups gnomAD compares: Non-Finnish European, 0.00017%; no homozygotes.

Submission:

GeneDx
Classification: Uncertain significance. Last evaluated: 2024-03-03. Review status: criteria provided, single submitter. Criteria: GeneDx Variant Classification Process June 2021. Collection method: clinical testing. Allele origin: germline. Affected: yes.
Comment: Not observed at significant frequency in large population cohorts (gnomAD); In silico analysis supports that this missense variant has a deleterious effect on protein structure/function; Has not been previously published as pathogenic or benign to our knowledge

NM_022455.5(NSD1):c.5676A>G (p.Ile1892Met)

Gene: NSD1 (nuclear receptor binding SET domain protein 1; plus strand). Cytogenetic location: 5q35.3.
Variant type: single nucleotide variant.
Coding change: c.5676A>G on transcript NM_022455.5 (MANE Select); coding-DNA position 5676, A replaced by G.
Protein change: p.Ile1892Met; replaces isoleucine 1892 with methionine.
Molecular consequence: missense variant.
Genome position (GRCh38, 1-based): chr5:177,280,618, A>G. VCF-style: chr5-177280618-A-G. GRCh37 (hg19) VCF-style: chr5-176707619-A-G.
Other names: c.4803A>G, p.Ile1601Met (NM_001365684.2, NM_001409308.1, NM_001409309.1 and 1 more transcripts); c.5676A>G, p.Ile1892Met (NM_001409301.1, NM_001409302.1, NM_001409303.1); c.5256A>G, p.Ile1752Met (NM_001409304.1); c.4923A>G, p.Ile1641Met (NM_001409305.1); c.4914A>G, p.Ile1638Met (NM_001409306.1, NM_001409307.1); short protein forms I1601M, I1638M, I1641M, I1752M, I1892M.
Identifiers: ClinVar variation 3340841 (VCV003340841.1).